The following is an entry in ClinVar:

ClinVar aggregate classification (germline): Uncertain significance. Review status: criteria provided, multiple submitters, no conflicts (2 of 4 stars). 3 submissions from 3 submitters: Uncertain significance (3). Last evaluated 2025-04-06.

Conditions:
Hereditary cancer-predisposing syndrome. Also called: Hereditary Cancer Syndrome; Hereditary neoplastic syndrome; Neoplastic Syndromes, Hereditary; Tumor predisposition. Identifiers: Orphanet 140162, MedGen C0027672, MeSH D009386, MONDO:0015356.
Familial cancer of breast. Also called: BREAST CANCER, FAMILIAL; Hereditary breast cancer; hereditary breast carcinoma. Identifiers: Orphanet 227535, MedGen C0346153, MONDO:0016419, OMIM 114480. Disease mechanism: loss of function.

gnomAD v4.1: 1 of 1,614,078 alleles (0.000062%); no homozygotes.

Submissions (3):

Ambry Genetics
Classification: Uncertain significance for Hereditary cancer-predisposing syndrome. Last evaluated: 2025-04-06. Review status: criteria provided, single submitter. Criteria: Ambry Variant Classification Scheme 2023. Collection method: clinical testing. Allele origin: germline.
Comment: The p.K379E variant (also known as c.1135A>G), located in coding exon 4 of the BARD1 gene, results from an A to G substitution at nucleotide position 1135. The lysine at codon 379 is replaced by glutamic acid, an amino acid with similar properties. This amino acid position is conserved. In addition, this alteration is predicted to be tolerated by in silico analysis. Based on the available evidence, the clinical significance of this variant remains unclear.

Color Diagnostics, LLC DBA Color Health
Classification: Uncertain significance for Hereditary cancer-predisposing syndrome. Last evaluated: 2024-12-23. Review status: criteria provided, single submitter. Criteria: ACMG Guidelines, 2015. Collection method: clinical testing. Allele origin: germline.
Comment: This missense variant replaces lysine with glutamic acid at codon 379 of the BARD1 protein. Computational prediction suggests that this variant may not impact protein structure and function (internally defined REVEL score threshold <= 0.5, PMID: 27666373). To our knowledge, functional studies have not been reported for this variant. This variant has not been reported in individuals affected with BARD1-related disorders in the literature. This variant has not been identified in the general population by the Genome Aggregation Database (gnomAD). The available evidence is insufficient to determine the role of this variant in disease conclusively. Therefore, this variant is classified as a Variant of Uncertain Significance.

Labcorp Genetics (formerly Invitae), Labcorp
Classification: Uncertain significance for Familial cancer of breast. Last evaluated: 2016-12-28. Review status: criteria provided, single submitter. Criteria: Invitae Variant Classification Sherloc (09022015). Collection method: clinical testing. Allele origin: germline.
Comment: In summary, this variant is a novel missense change that is not predicted to affect protein function. There is no indication that it causes disease, but the available evidence is currently insufficient to prove that conclusively. Therefore, it has been classified as a Variant of Uncertain Significance. Algorithms developed to predict the effect of missense changes on protein structure and function output the following: (SIFT: "Tolerated"; PolyPhen-2: "Benign"; Align-GVGD: "Class C0"). The glutamic acid amino acid residue is found in multiple mammalian species, suggesting that this missense change does not adversely affect protein function. These predictions have not been confirmed by published functional studies. This variant is not present in population databases (ExAC no frequency) and has not been reported in the literature in individuals with a BARD1-related disease. This sequence change replaces lysine with glutamic acid at codon 379 of the BARD1 protein (p.Lys379Glu). The lysine residue is weakly conserved and there is a small physicochemical difference between lysine and glutamic acid.

NM_000465.4(BARD1):c.1135A>G (p.Lys379Glu)

Gene: BARD1 (BRCA1 associated RING domain 1; minus strand). Cytogenetic location: 2q35.
Variant type: single nucleotide variant.
Coding change: c.1135A>G on transcript NM_000465.4 (MANE Select); coding-DNA position 1135, A replaced by G.
Protein change: p.Lys379Glu; replaces lysine 379 with glutamic acid.
Molecular consequence: missense variant. On other transcripts: non-coding transcript variant (2), intron variant (3).
Genome position (GRCh38, 1-based): chr2:214,780,739, T>C on the plus strand (A>G on the coding strand, the complement: BARD1 is on the minus strand). VCF-style: chr2-214780739-T-C. GRCh37 (hg19) VCF-style: chr2-215645463-T-C.
Other names: c.1078A>G, p.Lys360Glu (NM_001282543.2); c.159-28184A>G (NM_001282548.2); c.215+16322A>G (NM_001282545.2); c.364+11558A>G (NM_001282549.2); c.1135A>G (NM_000465.2); short protein forms K379E, K360E.
Identifiers: ClinVar variation 406735 (VCV000406735.11), dbSNP rs1060501280, ClinGen allele CA16610590.
Genomic context (GRCh38, chr2:214,780,739, plus strand): 5'-ATGTAGAAGGTGGTGTACCTGGTGAAAGACTAATGAATTCATCGGACATGTTACTGTTTT[T>C]CCTCCCTGATGTACCACCAACTTTACGTTTGCATGAAGGTGGTGAAGAACATTCAGGCAA-3'
Protein context (NP_000456.2, residues 369-389): KRKVGGTSGR[Lys379Glu]NSNMSDEFIS